The following is an entry in ClinVar:

ClinVar aggregate classification (germline): Conflicting classifications of pathogenicity. Review status: criteria provided, conflicting classifications (1 of 4 stars). 16 submissions from 14 submitters: Uncertain significance (6); Likely benign (9). 1 of the submissions does not count toward it. Last evaluated 2026-09-01.

Conditions:
Familial pancreatic carcinoma. Identifiers: Orphanet 1333, MedGen C2931038, MONDO:0015278, OMIM 260350.
Juvenile polyposis/hereditary hemorrhagic telangiectasia syndrome (JPHT). Also called: Juvenile Polyposis Syndrome / Hereditary Hemorrhagic Telangiectasia (JPS/HHT); JP/HHT SYNDROME; JUVENILE POLYPOSIS WITH HEREDITARY HEMORRHAGIC TELANGIECTASIA; POLYPOSIS, GENERALIZED JUVENILE, WITH PULMONARY ARTERIOVENOUS MALFORMATION; TELANGIECTASIA, HEREDITARY HEMORRHAGIC, WITH JUVENILE POLYPOSIS COLI. Identifiers: Orphanet 2929, MedGen C1832942, MONDO:0008278, OMIM 175050.
Myhre syndrome (MYHRS). Also called: LARYNGOTRACHEAL STENOSIS, ARTHROPATHY, PROGNATHISM, AND SHORT STATURE; LAPS SYNDROME. Identifiers: Orphanet 2588, MedGen C0796081, MONDO:0007688, OMIM 139210.
Juvenile polyposis syndrome (JPS). Identifiers: Orphanet 2929, MedGen C0345893, MONDO:0017380, OMIM 174900.
SMAD4-related disorder. Also called: SMAD4-related condition; SMAD4-Related disorders.
Hereditary cancer-predisposing syndrome. Also called: Hereditary neoplastic syndrome; Tumor predisposition; Neoplastic Syndromes, Hereditary; Hereditary Cancer Syndrome. Identifiers: Orphanet 140162, MedGen C0027672, MeSH D009386, MONDO:0015356.
Familial thoracic aortic aneurysm and aortic dissection (TAAD). Also called: Thoracic aortic aneurysms and dissections. Identifiers: Orphanet 91387, MedGen C4707243, MONDO:0019625.
Carcinoma of pancreas. Also called: Exocrine pancreatic carcinoma; Pancreatic cancer, somatic; Pancreatic carcinoma, somatic; PANCREATIC ACINAR CARCINOMA; PANCREATIC CARCINOMA. Identifiers: Orphanet 1333, Orphanet 217074, MedGen C0235974, MONDO:0005192. Disease mechanism: loss of function.
Generalized juvenile polyposis/juvenile polyposis coli. Also called: Juvenile polyposis coli. Identifiers: Orphanet 329971, MedGen C1868081, MONDO:0008276.

Allele frequency attached by ClinVar (database versions not stated): gnomAD 0.00001 and 0.00002; ExAC 0.00006; gnomAD exomes 0.00007 and 0.00008; TOPMed 0.00008; 1000 Genomes Project 30x 0.00016; 1000 Genomes Project 0.00020.
gnomAD v4.1: 104 of 1,614,086 alleles (0.0064%); highest among the groups gnomAD compares: Admixed American, 0.027%; no homozygotes.

Submissions (16):

CeGaT Center for Human Genetics Tuebingen
Classification: Likely benign. Last evaluated: 2026-09-01. Review status: criteria provided, single submitter. Criteria: CeGaT Center For Human Genetics Tuebingen Variant Classification Criteria Version 2. Collection method: clinical testing. Allele origin: germline. Affected: yes. Observed: 4 variant alleles.
Comment: SMAD4: BP4

PreventionGenetics, part of Exact Sciences
Classification: Likely benign for SMAD4-related condition. Last evaluated: 2026-07-16. Review status: criteria provided, single submitter. Criteria: ACMG Guidelines, 2015. Collection method: clinical testing. Allele origin: germline.
Comment: This variant is classified as likely benign based on ACMG/AMP sequence variant interpretation guidelines (Richards et al. 2015 PMID: 25741868, with internal and published modifications).

Labcorp Genetics (formerly Invitae), Labcorp
Classification: Likely benign for Juvenile polyposis syndrome. Last evaluated: 2026-01-19. Review status: criteria provided, single submitter. Criteria: Invitae Variant Classification Sherloc (09022015). Collection method: clinical testing. Allele origin: germline.

Women's Health and Genetics/Laboratory Corporation of America, LabCorp
Classification: Likely benign. Last evaluated: 2024-09-19. Review status: criteria provided, single submitter. Criteria: LabCorp Variant Classification Summary - May 2015. Collection method: clinical testing. Allele origin: germline.
Comment: Variant summary: SMAD4 c.677C>T (p.Ala226Val) results in a non-conservative amino acid change in the encoded protein sequence. Three of five in-silico tools predict a benign effect of the variant on protein function. The variant allele was found at a frequency of 8.4e-05 in 251344 control chromosomes. The observed variant frequency is approximately 41.78 fold of the estimated maximal expected allele frequency for a pathogenic variant in SMAD4 causing Juvenile Polyposis Syndrome phenotype (2e-06). c.677C>T has been reported in the literature in one individuals affected with colorectal cancer, without strong evidence for causality (Yurgelun_2017). These report(s) do not provide unequivocal conclusions about association of the variant with Juvenile Polyposis Syndrome. To our knowledge, no experimental evidence demonstrating an impact on protein function has been reported. The following publication hasbeen ascertained in the context of this evaluation (PMID: 28135145). ClinVar contains an entry for this variant (Variation ID: 182869). Based on the evidence outlined above, the variant was classified as likely benign.

GeneDx
Classification: Uncertain significance. Last evaluated: 2024-06-25. Review status: criteria provided, single submitter. Criteria: GeneDx Variant Classification Process June 2021. Collection method: clinical testing. Allele origin: germline. Affected: yes.
Comment: Observed in individuals with a personal history of colon cancer and other cancers, but has not been reported in association with heritable disorders of connective tissue to our knowledge (PMID: 28528518, 27978560, 28135145); In silico analysis indicates that this missense variant does not alter protein structure/function; This variant is associated with the following publications: (PMID: 28528518, 27978560, 28135145, 18823382, 22992590, 15235019, 37937776)

Quest Diagnostics Nichols Institute San Juan Capistrano
Classification: Likely benign. Last evaluated: 2023-04-27. Review status: criteria provided, single submitter. Criteria: Quest Diagnostics criteria. Collection method: clinical testing. Allele origin: unknown.

Blueprint Genetics
Classification: Likely benign. Last evaluated: 2022-02-18. Review status: criteria provided, single submitter. Criteria: ACMG Guidelines, 2015. Collection method: clinical testing. Allele origin: germline.

Sema4
Classification: Uncertain significance for Hereditary cancer-predisposing syndrome. Last evaluated: 2021-12-16. Review status: criteria provided, single submitter. Criteria: Sema4 Curation Guidelines. Collection method: curation. Allele origin: germline.
Comment: The SMAD4 c.677C>T (p.A226V) variant has been reported in heterozygosity in at least 2 individuals affected with colorectal cancer (PMID: 27978560, 28135145) and in an individual affected with breast cancer who also carried a pathogenic BRCA2 variant (PMID: 28528518). This variant was observed in 14/34590 chromosomes in the Latino/Admixed American population, according to the Genome Aggregation Database (PMID: 32461654). This variant has been reported in ClinVar (Variation ID: 182869). Functional studies have not been performed, and in silico predictions of the variant's effect on protein function are inconclusive. Based on the current evidence available, this variant is interpreted as a variant of uncertain significance.

Color Diagnostics, LLC DBA Color Health
Classification: Likely benign for Hereditary cancer-predisposing syndrome. Last evaluated: 2021-09-15. Review status: criteria provided, single submitter. Criteria: ACMG Guidelines, 2015. Collection method: clinical testing. Allele origin: germline.

Ambry Genetics
Classification: Likely benign for Hereditary cancer-predisposing syndrome; Familial thoracic aortic aneurysm and aortic dissection. Last evaluated: 2020-05-11. Review status: criteria provided, single submitter. Criteria: Ambry Variant Classification Scheme 2023. Collection method: clinical testing. Allele origin: germline.

Department of Pathology and Laboratory Medicine, Sinai Health System
Classification: Uncertain significance for Myhre syndrome; Juvenile polyposis syndrome; Juvenile polyposis/hereditary hemorrhagic telangiectasia syndrome; Familial pancreatic carcinoma. Last evaluated: 2020-03-23. Review status: criteria provided, single submitter. Criteria: ACMG Guidelines, 2015. Collection method: clinical testing. Allele origin: germline. Affected: yes.

Illumina Laboratory Services, Illumina
Classification: Uncertain significance for Juvenile polyposis syndrome. Last evaluated: 2018-01-12. Review status: criteria provided, single submitter. Criteria: ICSL Variant Classification Criteria 13 December 2019. Collection method: clinical testing. Allele origin: germline.

Illumina Laboratory Services, Illumina
Classification: Uncertain significance for Juvenile polyposis/hereditary hemorrhagic telangiectasia syndrome. Last evaluated: 2018-01-12. Review status: criteria provided, single submitter. Criteria: ICSL Variant Classification Criteria 13 December 2019. Collection method: clinical testing. Allele origin: germline.

Illumina Laboratory Services, Illumina
Classification: Likely benign for Myhre syndrome. Last evaluated: 2018-01-12. Review status: criteria provided, single submitter. Criteria: ICSL Variant Classification Criteria 13 December 2019. Collection method: clinical testing. Allele origin: germline.
Comment: This variant was observed in the ICSL laboratory as part of a predisposition screen in an ostensibly healthy population. It had not been previously curated by ICSL or reported in the Human Gene Mutation Database (HGMD: prior to June 1st, 2018), and was therefore a candidate for classification through an automated scoring system. Utilizing variant allele frequency, disease prevalence and penetrance estimates, and inheritance mode, an automated score was calculated to assess if this variant is too frequent to cause the disease. Based on the score and internal cut-off values, a variant classified as likely benign is not then subjected to further curation. The score for this variant resulted in a classification of likely benign for this disease.

Fulgent Genetics
Classification: Uncertain significance for Myhre syndrome; Juvenile polyposis syndrome; Juvenile polyposis/hereditary hemorrhagic telangiectasia syndrome; Familial pancreatic carcinoma. Last evaluated: 2017-05-23. Review status: criteria provided, single submitter. Criteria: ACMG Guidelines, 2015. Collection method: clinical testing. Allele origin: unknown.

True Health Diagnostics
Classification: Uncertain significance for Hereditary cancer-predisposing syndrome. Last evaluated: 2018-04-27. Review status: no assertion criteria provided. Collection method: clinical testing. Allele origin: germline. Not counted in ClinVar's aggregate classification.

Literature cited by the submitters: PubMed 28135145 (cited by 4 submitters); PubMed 27978560 (cited by 3 submitters); PubMed 28528518 (cited by 3 submitters).

NM_005359.6(SMAD4):c.677C>T (p.Ala226Val)

Gene: SMAD4 (SMAD family member 4; plus strand). Cytogenetic location: 18q21.2.
Variant type: single nucleotide variant.
Coding change: c.677C>T on transcript NM_005359.6 (MANE Select); coding-DNA position 677, C replaced by T.
Protein change: p.Ala226Val; replaces alanine 226 with valine.
Molecular consequence: missense variant.
Genome position (GRCh38, 1-based): chr18:51,058,134, C>T. VCF-style: chr18-51058134-C-T. GRCh37 (hg19) VCF-style: chr18-48584504-C-T.
Other names: p.A226V:GCC>GTC; short protein forms A226V.
Identifiers: ClinVar variation 182869 (VCV000182869.65), dbSNP rs539739051, ClinGen allele CA299961.
Genomic context (GRCh38, chr18:51,058,134, plus strand): 5'-ATAAGATGACATCTATGAATGTACCATGTTAATGTCTTCTTGTTCCTCTAGGTCAGCCTG[C>T]CAGTATACTGGGGGGCAGCCATAGTGAAGGACTGTTGCAGATAGCATCAGGGCCTCAGCC-3'
Protein context (NP_005350.1, residues 216-236): NIPVASTSQP[Ala226Val]SILGGSHSEG